The following is an entry in ClinVar:

NM_017777.4(MKS1):c.1260G>A (p.Leu420=)

Gene: MKS1 (MKS transition zone complex subunit 1; minus strand). Cytogenetic location: 17q22.
Variant type: single nucleotide variant.
Coding change: c.1260G>A on transcript NM_017777.4 (MANE Select); coding-DNA position 1260, G replaced by A.
Protein change: p.Leu420=; no amino-acid change (leucine 420 retained).
Molecular consequence: synonymous variant.
Genome position (GRCh38, 1-based): chr17:58,207,907, C>T on the plus strand (G>A on the coding strand, the complement: MKS1 is on the minus strand). VCF-style: chr17-58207907-C-T. GRCh37 (hg19) VCF-style: chr17-56285268-C-T.
Other names: c.651G>A, p.Leu217= (NM_001321268.2); c.1260G>A, p.Leu420= (NM_001321269.2, NM_001330397.2).
Identifiers: ClinVar variation 695906 (VCV000695906.19), dbSNP rs749099410, ClinGen allele CA8669221.
Genomic context (GRCh38, chr17:58,207,907, plus strand): 5'-AGGGCCTAGGGCATGTGGGCCACAGAAGGGCAGAGACGAGCGGTTACCTGGAGTGGCAGG[C>T]AGCACCACAGCCCCATAGCCTTCCACACGGTACCTCTGCCAGAAGTCCAGCGAGAGGACC-3'
Protein context (NP_060247.2, residues 410-430): YRVEGYGAVV[Leu420=]PATPGSHTLT

ClinVar aggregate classification (germline): Likely benign. Review status: criteria provided, multiple submitters, no conflicts (2 of 4 stars). 5 submissions from 5 submitters: Likely benign (3). 2 of the submissions do not count toward it. Last evaluated 2025-08-06.

Conditions:
MKS1-related disorder. Also called: MKS1-related disorders; MKS1-related condition. Identifiers: MedGen CN239382.
Joubert syndrome. Also called: Familial aplasia of the vermis; JOUBERT-BOLTSHAUSER SYNDROME. Identifiers: Orphanet 475, MedGen C5979921, MONDO:0018772.
Meckel-Gruber syndrome. Also called: DYSENCEPHALIA SPLANCHNOCYSTICA; GRUBER SYNDROME; Dysencephalia splachnocystica. Identifiers: Orphanet 564, MedGen C0265215, MONDO:0018921.
Meckel syndrome, type 1 (MKS1). Also called: MECKEL-GRUBER SYNDROME, TYPE 1. Identifiers: Orphanet 564, MedGen C3714506, MONDO:0009571, OMIM 249000.

Allele frequency attached by ClinVar (database versions not stated): gnomAD 0.00003; gnomAD exomes 0.00003; TOPMed 0.00005.
gnomAD v4.1: 200 of 1,613,312 alleles (0.012%); highest among the groups gnomAD compares: Non-Finnish European, 0.017%; no homozygotes.

Submissions (5):

Labcorp Genetics (formerly Invitae), Labcorp
Classification: Likely benign for Joubert syndrome; Meckel-Gruber syndrome. Last evaluated: 2025-08-06. Review status: criteria provided, single submitter. Criteria: Invitae Variant Classification Sherloc (09022015). Collection method: clinical testing. Allele origin: germline.

Blueprint Genetics
Classification: Likely benign. Last evaluated: 2024-10-30. Review status: criteria provided, single submitter. Criteria: ACMG Guidelines, 2015. Collection method: clinical testing. Allele origin: germline.

Genetic Services Laboratory, University of Chicago
Classification: Likely benign. Last evaluated: 2020-07-09. Review status: criteria provided, single submitter. Criteria: ACMG Guidelines, 2015. Collection method: clinical testing. Allele origin: germline. Affected: no.

PreventionGenetics, part of Exact Sciences
Classification: Likely benign for MKS1-related condition. Last evaluated: 2020-05-22. Review status: no assertion criteria provided. Collection method: clinical testing. Allele origin: germline. Not counted in ClinVar's aggregate classification.
Comment: This variant is classified as likely benign based on ACMG/AMP sequence variant interpretation guidelines (Richards et al. 2015 PMID: 25741868, with internal and published modifications).

Natera, Inc.
Classification: Likely benign for Meckel syndrome type 1. Last evaluated: 2020-03-12. Review status: no assertion criteria provided. Collection method: clinical testing. Allele origin: germline. Not counted in ClinVar's aggregate classification.